The following is an entry in ClinVar:

ClinVar aggregate classification (germline): Uncertain significance (1 of 4 stars; one submission).

Conditions:
Inborn genetic diseases. Identifiers: MedGen C0950123, MeSH D030342.

Allele frequency attached by ClinVar (database versions not stated): gnomAD 0.00001; TOPMed 0.00001.
gnomAD v4.1: 2 of 1,613,826 alleles (0.00012%); highest among the groups gnomAD compares: South Asian, 0.0011%; no homozygotes.

Submission:

Ambry Genetics
Classification: Uncertain significance for Inborn genetic diseases. Last evaluated: 2022-06-18. Review status: criteria provided, single submitter. Criteria: Ambry Variant Classification Scheme 2023. Collection method: clinical testing. Allele origin: germline.
Comment: The p.A718D variant (also known as c.2153C>A), located in coding exon 13 of the EPAS1 gene, results from a C to A substitution at nucleotide position 2153. The alanine at codon 718 is replaced by aspartic acid, an amino acid with dissimilar properties. This amino acid position is conserved. In addition, this alteration is predicted to be tolerated by in silico analysis. Since supporting evidence is limited at this time, the clinical significance of this alteration remains unclear.

NM_001430.5(EPAS1):c.2153C>A (p.Ala718Asp)

Gene: EPAS1 (endothelial PAS domain protein 1; plus strand). Cytogenetic location: 2p21.
Variant type: single nucleotide variant.
Coding change: c.2153C>A on transcript NM_001430.5 (MANE Select); coding-DNA position 2153, C replaced by A.
Protein change: p.Ala718Asp; replaces alanine 718 with aspartic acid.
Molecular consequence: missense variant.
Genome position (GRCh38, 1-based): chr2:46,381,703, C>A. VCF-style: chr2-46381703-C-A. GRCh37 (hg19) VCF-style: chr2-46608842-C-A.
Other names: short protein forms A718D.
Identifiers: ClinVar variation 1786782 (VCV001786782.2), dbSNP rs924683865, ClinGen allele CA46568302.